The following is an entry in ClinVar:

NM_001098511.3(KIF2A):c.1585A>G (p.Thr529Ala)

Gene: KIF2A (kinesin family member 2A; plus strand). Cytogenetic location: 5q12.1.
Variant type: single nucleotide variant.
Coding change: c.1585A>G on transcript NM_001098511.3 (MANE Select); coding-DNA position 1585, A replaced by G.
Protein change: p.Thr529Ala; replaces threonine 529 with alanine.
Molecular consequence: missense variant.
Genome position (GRCh38, 1-based): chr5:62,366,420, A>G. VCF-style: chr5-62366420-A-G. GRCh37 (hg19) VCF-style: chr5-61662247-A-G.
Other names: c.1504A>G, p.Thr502Ala (NM_001243952.2); c.1528A>G, p.Thr510Ala (NM_001243953.2); c.1585A>G, p.Thr529Ala (NM_004520.5); short protein forms T502A, T510A, T529A.
Identifiers: ClinVar variation 3901798 (VCV003901798.1).

ClinVar aggregate classification (germline): Uncertain significance (1 of 4 stars; one submission).

Submission:

GeneDx
Classification: Uncertain significance. Last evaluated: 2024-12-04. Review status: criteria provided, single submitter. Criteria: GeneDx Variant Classification Process June 2021. Collection method: clinical testing. Allele origin: germline. Affected: yes.
Comment: Not observed at significant frequency in large population cohorts (gnomAD); In silico analysis supports that this missense variant has a deleterious effect on protein structure/function; Has not been previously published as pathogenic or benign to our knowledge